The following is an entry in ClinVar:

NM_000587.4(C7):c.39A>G (p.Ile13Met)

Gene: C7 (complement C7; plus strand). Cytogenetic location: 5p13.1.
Variant type: single nucleotide variant.
Coding change: c.39A>G on transcript NM_000587.4 (MANE Select); coding-DNA position 39, A replaced by G.
Protein change: p.Ile13Met; replaces isoleucine 13 with methionine.
Molecular consequence: missense variant.
Genome position (GRCh38, 1-based): chr5:40,928,612, A>G. VCF-style: chr5-40928612-A-G. GRCh37 (hg19) VCF-style: chr5-40928714-A-G.
Other names: short protein forms I13M.
Identifiers: ClinVar variation 2089062 (VCV002089062.4), dbSNP rs1056889470, ClinGen allele CA359587404.

ClinVar aggregate classification (germline): Uncertain significance (1 of 4 stars; one submission).

Submission:

Labcorp Genetics (formerly Invitae), Labcorp
Classification: Uncertain significance. Last evaluated: 2022-08-21. Review status: criteria provided, single submitter. Criteria: Invitae Variant Classification Sherloc (09022015). Collection method: clinical testing. Allele origin: germline.
Comment: In summary, the available evidence is currently insufficient to determine the role of this variant in disease. Therefore, it has been classified as a Variant of Uncertain Significance. Algorithms developed to predict the effect of missense changes on protein structure and function output the following: SIFT: "Tolerated"; PolyPhen-2: "Benign"; Align-GVGD: "Class C0". The methionine amino acid residue is found in multiple mammalian species, which suggests that this missense change does not adversely affect protein function. This variant has not been reported in the literature in individuals affected with C7-related conditions. This variant is not present in population databases (gnomAD no frequency). This sequence change replaces isoleucine, which is neutral and non-polar, with methionine, which is neutral and non-polar, at codon 13 of the C7 protein (p.Ile13Met).